The following is an entry in ClinVar:

NM_001164760.2(PRKAR1B):c.398C>T (p.Ser133Phe)

Gene: PRKAR1B (protein kinase cAMP-dependent type I regulatory subunit beta; minus strand). Cytogenetic location: 7p22.3.
Variant type: single nucleotide variant.
Coding change: c.398C>T on transcript NM_001164760.2 (MANE Select); coding-DNA position 398, C replaced by T.
Protein change: p.Ser133Phe; replaces serine 133 with phenylalanine.
Molecular consequence: missense variant.
Genome position (GRCh38, 1-based): chr7:677,271, G>A on the plus strand (C>T on the coding strand, the complement: PRKAR1B is on the minus strand). VCF-style: chr7-677271-G-A. GRCh37 (hg19) VCF-style: chr7-716908-G-A.
Other names: c.398C>T, p.Ser133Phe (NM_001164758.2, NM_001164759.1, NM_001164761.2 and 2 more transcripts); short protein forms S133F.
Identifiers: ClinVar variation 3775002 (VCV003775002.1).
Genomic context (GRCh38, chr7:677,271, plus strand): 5'-GGGGACGAGTCTGCCTACCTCCTCTCGTTGTCATCCAGGTGAGCGAAGAGCACGTTCTTG[G>A]AGATGGCCTTGGCCAGCGCAGTCATGGTTTTGTAGTCCTTGGGAATCACCTGAAGCGGAG-3'
Protein context (NP_001158232.1, residues 123-143): KTMTALAKAI[Ser133Phe]KNVLFAHLDD

ClinVar aggregate classification (germline): Uncertain significance (1 of 4 stars; one submission).

Submission:

GeneDx
Classification: Uncertain significance. Last evaluated: 2024-09-25. Review status: criteria provided, single submitter. Criteria: GeneDx Variant Classification Process June 2021. Collection method: clinical testing. Allele origin: germline. Affected: yes.
Comment: Not observed at significant frequency in large population cohorts (gnomAD); In silico analysis supports that this missense variant has a deleterious effect on protein structure/function; Has not been previously published as pathogenic or benign to our knowledge